The following is an entry in ClinVar:

NM_016247.4(IMPG2):c.349G>C (p.Val117Leu)

Gene: IMPG2 (interphotoreceptor matrix proteoglycan 2; minus strand). Cytogenetic location: 3q12.3.
Variant type: single nucleotide variant.
Coding change: c.349G>C on transcript NM_016247.4 (MANE Select); coding-DNA position 349, G replaced by C.
Protein change: p.Val117Leu; replaces valine 117 with leucine.
Molecular consequence: missense variant.
Genome position (GRCh38, 1-based): chr3:101,304,298, C>G on the plus strand (G>C on the coding strand, the complement: IMPG2 is on the minus strand). VCF-style: chr3-101304298-C-G. GRCh37 (hg19) VCF-style: chr3-101023142-C-G.
Other names: c.349G>C (NM_016247.3); short protein forms V117L.
Identifiers: ClinVar variation 1481641 (VCV001481641.7), dbSNP rs1265939563, ClinGen allele CA353852168.

ClinVar aggregate classification (germline): Uncertain significance. Review status: criteria provided, multiple submitters, no conflicts (2 of 4 stars). 2 submissions from 2 submitters: Uncertain significance (2). Last evaluated 2025-08-22.

Conditions:
Inborn genetic diseases. Identifiers: MedGen C0950123, MeSH D030342.

Allele frequency attached by ClinVar (database versions not stated): gnomAD exomes below 0.00001 and 0.00001.
gnomAD v4.1: 4 of 1,613,840 alleles (0.00025%); highest among the groups gnomAD compares: Admixed American, 0.0033%; no homozygotes.

Submissions (2):

Ambry Genetics
Classification: Uncertain significance for Inborn genetic diseases. Last evaluated: 2025-08-22. Review status: criteria provided, single submitter. Criteria: Ambry Variant Classification Scheme 2023. Collection method: clinical testing. Allele origin: germline.

Labcorp Genetics (formerly Invitae), Labcorp
Classification: Uncertain significance. Last evaluated: 2022-10-28. Review status: criteria provided, single submitter. Criteria: Invitae Variant Classification Sherloc (09022015). Collection method: clinical testing. Allele origin: germline.
Comment: ClinVar contains an entry for this variant (Variation ID: 1481641). This variant has not been reported in the literature in individuals affected with IMPG2-related conditions. This variant is present in population databases (no rsID available, gnomAD 0.003%). This sequence change replaces valine, which is neutral and non-polar, with leucine, which is neutral and non-polar, at codon 117 of the IMPG2 protein (p.Val117Leu). Algorithms developed to predict the effect of missense changes on protein structure and function are either unavailable or do not agree on the potential impact of this missense change (SIFT: "Deleterious"; PolyPhen-2: "Benign"; Align-GVGD: "Class C0"). In summary, the available evidence is currently insufficient to determine the role of this variant in disease. Therefore, it has been classified as a Variant of Uncertain Significance.